The following is an entry in ClinVar:

ClinVar aggregate classification (germline): Uncertain significance (0 of 4 stars; one submission).

Conditions:
SEMA3B-related disorder. Also called: SEMA3B-related condition.

Submission:

PreventionGenetics, part of Exact Sciences
Classification: Uncertain significance for SEMA3B-related condition. Last evaluated: 2024-07-03. Review status: no assertion criteria provided. Collection method: clinical testing. Allele origin: germline.
Comment: The SEMA3B c.389C>T variant is predicted to result in the amino acid substitution p.Pro130Leu. To our knowledge, this variant has not been reported in the literature. This variant is reported in 0.00090% of alleles in individuals of European (Non-Finnish) descent in gnomAD. At this time, the clinical significance of this variant is uncertain due to the absence of conclusive functional and genetic evidence.

NM_001290060.2(SEMA3B):c.389C>T (p.Ala130Val)

Gene: SEMA3B (semaphorin 3B; plus strand). Cytogenetic location: 3p21.31.
Variant type: single nucleotide variant.
Coding change: c.389C>T on transcript NM_001290060.2 (MANE Select); coding-DNA position 389, C replaced by T.
Protein change: p.Ala130Val; replaces alanine 130 with valine.
Molecular consequence: missense variant.
Genome position (GRCh38, 1-based): chr3:50,270,948, C>T. VCF-style: chr3-50270948-C-T. GRCh37 (hg19) VCF-style: chr3-50308379-C-T.
Other names: c.389C>T, p.Ala130Val (NM_001005914.3, NM_001290061.1, NM_004636.4); short protein forms A130V.
Identifiers: ClinVar variation 3344993 (VCV003344993.1).